The following is an entry in ClinVar:

ClinVar aggregate classification (germline): Uncertain significance (1 of 4 stars; one submission).

Submission:

Ambry Genetics
Classification: Uncertain significance. Last evaluated: 2025-03-09. Review status: criteria provided, single submitter. Criteria: Ambry Variant Classification Scheme 2023. Collection method: clinical testing. Allele origin: germline.
Comment: The p.Q140E variant (also known as c.418C>G), located in coding exon 4 of the SRP72 gene, results from a C to G substitution at nucleotide position 418. The glutamine at codon 140 is replaced by glutamic acid, an amino acid with highly similar properties. This amino acid position is conserved. In addition, this alteration is predicted to be tolerated by in silico analysis. Based on the available evidence, the clinical significance of this variant remains unclear.

NM_006947.4(SRP72):c.418C>G (p.Gln140Glu)

Gene: SRP72 (signal recognition particle 72; plus strand). Cytogenetic location: 4q12.
Variant type: single nucleotide variant.
Coding change: c.418C>G on transcript NM_006947.4 (MANE Select); coding-DNA position 418, C replaced by G.
Protein change: p.Gln140Glu; replaces glutamine 140 with glutamic acid.
Molecular consequence: missense variant. On other transcripts: non-coding transcript variant (1).
Genome position (GRCh38, 1-based): chr4:56,474,117, C>G. VCF-style: chr4-56474117-C-G. GRCh37 (hg19) VCF-style: chr4-57340283-C-G.
Other names: c.418C>G, p.Gln140Glu (NM_001267722.2); short protein forms Q140E.
Identifiers: ClinVar variation 2250899 (VCV002250899.3), dbSNP rs2545749392, ClinGen allele CA356996439.